The following is an entry in ClinVar:

NM_004329.3(BMPR1A):c.1208del (p.Gly403fs)

Gene: BMPR1A (bone morphogenetic protein receptor type 1A; plus strand). Cytogenetic location: 10q23.2.
Variant type: Deletion.
Coding change: c.1208del on transcript NM_004329.3 (MANE Select); coding-DNA position 1208, one base deleted (G; older notation c.1208delG).
Protein change: p.Gly403fs; shifts the reading frame from glycine 403.
Molecular consequence: frameshift variant. On other transcripts: non-coding transcript variant (3).
Genome position (GRCh38, 1-based): chr10:86,921,561, G deleted; the last of 3 consecutive G bases (chr10:86,921,559-86,921,561); deleting any one gives the same sequence. VCF-style (leftmost placement, unchanged base first): chr10-86921558-TG-T. GRCh37 (hg19) VCF-style: chr10-88681315-TG-T.
Other names: c.1208del, p.Gly403fs (NM_001406574.1, NM_001406575.1, NM_001406576.1 and 19 more transcripts); c.1202del, p.Gly401fs (NM_001406583.1); c.1124del, p.Gly375fs (NM_001406584.1, NM_001406585.1, NM_001406586.1 and 2 more transcripts); c.866del, p.Gly289fs (NM_001406589.1); c.1283del, p.Gly428fs (NM_001406559.1); c.1256del, p.Gly419fs (NM_001406560.1); short protein forms G289fs, G375fs, G401fs, G403fs, G419fs, G428fs.
Identifiers: ClinVar variation 2584231 (VCV002584231.2), dbSNP rs2539636034, ClinGen allele CA2582342692.

ClinVar aggregate classification (germline): Pathogenic (1 of 4 stars; one submission).

Conditions:
Juvenile polyposis syndrome (JPS). Identifiers: Orphanet 2929, MedGen C0345893, MONDO:0017380, OMIM 174900.

Submission:

Myriad Genetics, Inc.
Classification: Pathogenic for Juvenile polyposis syndrome. Last evaluated: 2023-05-26. Review status: criteria provided, single submitter. Criteria: Myriad Autosomal Dominant, Autosomal Recessive and X-Linked Classification Criteria (2023). Collection method: clinical testing. Allele origin: unknown.
Comment: This variant is considered pathogenic. This variant creates a frameshift predicted to result in premature protein truncation.